The following is an entry in ClinVar:

ClinVar aggregate classification (germline): Conflicting classifications of pathogenicity. Review status: criteria provided, conflicting classifications (1 of 4 stars). 6 submissions from 5 submitters: Uncertain significance (3); Benign (1); Likely benign (2). Last evaluated 2026-01-25.

Conditions:
Asphyxiating thoracic dystrophy 5 (SRTD5). Also called: SHORT-RIB THORACIC DYSPLASIA 5 WITH OR WITHOUT POLYDACTYLY; SHORT-RIB THORACIC DYSPLASIA 5 WITHOUT POLYDACTYLY. Identifiers: Orphanet 474, MedGen C3280598, MONDO:0013717, OMIM 614376.
Senior-Loken syndrome 8 (SLSN8). Identifiers: Orphanet 3156, MedGen C4225376, MONDO:0014579, OMIM 616307.
Cranioectodermal dysplasia 4 (CED4). Identifiers: Orphanet 1515, MedGen C3280616, MONDO:0013719, OMIM 614378.

Allele frequency attached by ClinVar (database versions not stated): ESP Exome Variant Server 0.00042; TOPMed 0.00056; gnomAD exomes 0.00063 and 0.00093; gnomAD 0.00071 and 0.00079; ExAC 0.00119.

Submissions (6):

Labcorp Genetics (formerly Invitae), Labcorp
Classification: Benign for Senior-Loken syndrome 8; Asphyxiating thoracic dystrophy 5. Last evaluated: 2026-01-25. Review status: criteria provided, single submitter. Criteria: Invitae Variant Classification Sherloc (09022015). Collection method: clinical testing. Allele origin: germline.

Blueprint Genetics
Classification: Likely benign. Last evaluated: 2024-11-19. Review status: criteria provided, single submitter. Criteria: ACMG Guidelines, 2015. Collection method: clinical testing. Allele origin: germline.

GeneDx
Classification: Uncertain significance. Last evaluated: 2019-06-05. Review status: criteria provided, single submitter. Criteria: GeneDx Variant Classification Process June 2021. Collection method: clinical testing. Allele origin: germline. Affected: yes.
Comment: Has not been previously published as pathogenic or benign to our knowledge; In-silico analysis, which includes splice predictors and evolutionary conservation, is inconclusive as to whether the variant alters gene splicing. In the absence of RNA/functional studies, the actual effect of this sequence change is unknown.

Illumina Laboratory Services, Illumina
Classification: Uncertain significance for Asphyxiating thoracic dystrophy 5. Last evaluated: 2018-01-13. Review status: criteria provided, single submitter. Criteria: ICSL Variant Classification Criteria 13 December 2019. Collection method: clinical testing. Allele origin: germline.

Illumina Laboratory Services, Illumina
Classification: Uncertain significance for Cranioectodermal dysplasia 4. Last evaluated: 2018-01-13. Review status: criteria provided, single submitter. Criteria: ICSL Variant Classification Criteria 13 December 2019. Collection method: clinical testing. Allele origin: germline.

PreventionGenetics, part of Exact Sciences
Classification: Likely benign. Review status: criteria provided, single submitter. Criteria: ACMG Guidelines, 2015. Collection method: clinical testing. Allele origin: germline.

NM_025132.4(WDR19):c.1198C>T (p.Leu400=)

Gene: WDR19 (WD repeat domain 19; plus strand). Cytogenetic location: 4p14.
Variant type: single nucleotide variant.
Coding change: c.1198C>T on transcript NM_025132.4 (MANE Select); coding-DNA position 1198, C replaced by T.
Protein change: p.Leu400=; no amino-acid change (leucine 400 retained).
Molecular consequence: synonymous variant.
Genome position (GRCh38, 1-based): chr4:39,216,159, C>T. VCF-style: chr4-39216159-C-T. GRCh37 (hg19) VCF-style: chr4-39217779-C-T.
Other names: c.718C>T, p.Leu240= (NM_001317924.2).
Identifiers: ClinVar variation 261856 (VCV000261856.18), dbSNP rs199765304, ClinGen allele CA2891795.